The following is an entry in ClinVar:

NM_133510.4(RAD51B):c.-2-3G>A

Gene: RAD51B (RAD51 paralog B; plus strand). Cytogenetic location: 14q24.1.
Variant type: single nucleotide variant.
Coding change: c.-2-3G>A on transcript NM_133510.4 (MANE Select); 3 bases into the intron before 2 bases upstream of the start codon, G replaced by A.
Molecular consequence: intron variant.
Genome position (GRCh38, 1-based): chr14:67,823,539, G>A. VCF-style: chr14-67823539-G-A. GRCh37 (hg19) VCF-style: chr14-68290256-G-A.
Other names: c.-2-3G>A (NM_001321818.2, NM_001321809.2, NM_001321821.2 and 5 more transcripts); c.-457-3G>A (NM_001321817.2).
Identifiers: ClinVar variation 3786413 (VCV003786413.1).

ClinVar aggregate classification (germline): Uncertain significance (1 of 4 stars; one submission).

gnomAD v4.1: 2 of 1,612,438 alleles (0.00012%); highest among the groups gnomAD compares: Admixed American, 0.0017%; no homozygotes.

Submission:

Ambry Genetics
Classification: Uncertain significance. Last evaluated: 2025-01-25. Review status: criteria provided, single submitter. Criteria: Ambry Variant Classification Scheme 2023. Collection method: clinical testing. Allele origin: germline.
Comment: The c.-2-3G>A intronic variant results from a G to A substitution 3 nucleotides upstream from coding exon 1 in the RAD51B gene. This nucleotide position is not well conserved in available vertebrate species. In silico splice site analysis predicts that this alteration will not have any significant effect on splicing. The evidence for this gene-disease relationship is limited; therefore, the clinical significance of this alteration is unclear.